The following is an entry in ClinVar:

ClinVar aggregate classification (germline): Uncertain significance. Review status: criteria provided, multiple submitters, no conflicts (2 of 4 stars). 5 submissions from 5 submitters: Uncertain significance (5). Last evaluated 2026-02-02.

Conditions:
Cardiovascular phenotype. Identifiers: MedGen CN230736.
Cardiomyopathy (CMYO). Also called: Cardiomyopathies. Identifiers: Orphanet 167848, MedGen C0878544, MONDO:0004994, HP:0001638. Inheritance: Various modes of inheritance.
Hypertrophic cardiomyopathy. Also called: HYPERTROPHIC MYOCARDIOPATHY. Identifiers: Orphanet 217569, MedGen C0007194, MeSH D002312, MONDO:0005045, HP:0001639.

Allele frequency attached by ClinVar (database versions not stated): gnomAD exomes 0.00002 and 0.00001; ExAC 0.00001; TOPMed 0.00001.
gnomAD v4.1: 38 of 1,613,896 alleles (0.0024%); highest among the groups gnomAD compares: South Asian, 0.0033%; no homozygotes.

Submissions (5):

Labcorp Genetics (formerly Invitae), Labcorp
Classification: Uncertain significance for Hypertrophic cardiomyopathy. Last evaluated: 2026-02-02. Review status: criteria provided, single submitter. Criteria: Invitae Variant Classification Sherloc (09022015). Collection method: clinical testing. Allele origin: germline.
Comment: This sequence change replaces arginine, which is basic and polar, with cysteine, which is neutral and slightly polar, at codon 1190 of the MYBPC3 protein (p.Arg1190Cys). This variant is present in population databases (rs755160084, gnomAD 0.006%). This variant has not been reported in the literature in individuals affected with MYBPC3-related conditions. ClinVar contains an entry for this variant (Variation ID: 454328). An algorithm developed to predict the effect of missense changes on protein structure and function (PolyPhen-2) suggests that this variant is likely to be disruptive. In summary, the available evidence is currently insufficient to determine the role of this variant in disease. Therefore, it has been classified as a Variant of Uncertain Significance.

Color Diagnostics, LLC DBA Color Health
Classification: Uncertain significance for Cardiomyopathy. Last evaluated: 2025-10-07. Review status: criteria provided, single submitter. Criteria: ACMG Guidelines, 2015. Collection method: clinical testing. Allele origin: germline.
Comment: This missense variant replaces arginine with cysteine at codon 1190 of the MYBPC3 protein. Computational prediction is inconclusive regarding the impact of this variant on protein structure and function. To our knowledge, functional studies have not been reported for this variant. This variant has not been reported in individuals affected with MYBPC3-related disorders in the literature. This variant has been identified in 38/1461564 chromosomes in the general population by the Genome Aggregation Database (gnomAD). The available evidence is insufficient to determine the role of this variant in disease conclusively. Therefore, this variant is classified as a Variant of Uncertain Significance.

All of Us Research Program, National Institutes of Health
Classification: Uncertain significance for Hypertrophic cardiomyopathy. Last evaluated: 2023-11-30. Review status: criteria provided, single submitter. Criteria: ACMG Guidelines, 2015. Collection method: clinical testing. Allele origin: germline. Inheritance: Autosomal dominant inheritance. Observed: 2 variant alleles, 2 heterozygotes.
Comment: This missense variant replaces arginine with cysteine at codon 1190 of the MYBPC3 protein. Computational prediction is inconclusive regarding the impact of this variant on protein structure and function (internally defined REVEL score threshold 0.5 < inconclusive < 0.7, PMID: 27666373). To our knowledge, functional studies have not been reported for this variant. This variant has not been reported in individuals affected with cardiovascular disorders in the literature. This variant has been identified in 2/248878 chromosomes in the general population by the Genome Aggregation Database (gnomAD). The available evidence is insufficient to determine the role of this variant in disease conclusively. Therefore, this variant is classified as a Variant of Uncertain Significance.

This study involves interpretation of variants in research participants for the purpose of population health screening. Participant phenotype was not available at the time of variant classification. Additional details can be found in publication PMID: 35346344, PMCID: PMC8962531

Women's Health and Genetics/Laboratory Corporation of America, LabCorp
Classification: Uncertain significance. Last evaluated: 2023-09-11. Review status: criteria provided, single submitter. Criteria: LabCorp Variant Classification Summary - May 2015. Collection method: clinical testing. Allele origin: germline.
Comment: Variant summary: MYBPC3 c.3568C>T (p.Arg1190Cys) results in a non-conservative amino acid change located in the immunoglobulin-like domain of the encoded protein sequence. Three of four in-silico tools predict a damaging effect of the variant on protein function. The variant allele was found at a frequency of 8e-06 in 248878 control chromosomes (gnomAD). The available data on variant occurrences in the general population are insufficient to allow any conclusion about variant significance. To our knowledge, no occurrence of c.3568C>T in individuals affected with Cardiomyopathy and no experimental evidence demonstrating its impact on protein function have been reported. Three submitters have cited clinical-significance assessments for this variant to ClinVar after 2014. All submitters classified the variant as uncertain significance. Based on the evidence outlined above, the variant was classified as uncertain significance.

Ambry Genetics
Classification: Uncertain significance for Cardiovascular phenotype. Last evaluated: 2019-05-17. Review status: criteria provided, single submitter. Criteria: Ambry Variant Classification Scheme 2023. Collection method: clinical testing. Allele origin: germline.
Comment: The p.R1190C variant (also known as c.3568C>T), located in coding exon 32 of the MYBPC3 gene, results from a C to T substitution at nucleotide position 3568. The arginine at codon 1190 is replaced by cysteine, an amino acid with highly dissimilar properties. This amino acid position is highly conserved in available vertebrate species. In addition, this alteration is predicted to be deleterious by in silico analysis. Since supporting evidence is limited at this time, the clinical significance of this alteration remains unclear.

NM_000256.3(MYBPC3):c.3568C>T (p.Arg1190Cys)

Gene: MYBPC3 (myosin binding protein C3; minus strand). Cytogenetic location: 11p11.2.
Variant type: single nucleotide variant.
Coding change: c.3568C>T on transcript NM_000256.3 (MANE Select); coding-DNA position 3568, C replaced by T.
Protein change: p.Arg1190Cys; replaces arginine 1190 with cysteine.
Molecular consequence: missense variant.
Genome position (GRCh38, 1-based): chr11:47,332,625, G>A on the plus strand (C>T on the coding strand, the complement: MYBPC3 is on the minus strand). VCF-style: chr11-47332625-G-A. GRCh37 (hg19) VCF-style: chr11-47354176-G-A.
Other names: c.3568C>T, p.Arg1190Cys (LRG_386t1); short protein forms R1190C.
Identifiers: ClinVar variation 454328 (VCV000454328.19), dbSNP rs755160084, ClinGen allele CA079432.